The following is an entry in ClinVar:

NM_001458.5(FLNC):c.1087C>T (p.Pro363Ser)

Gene: FLNC (filamin C; plus strand). Cytogenetic location: 7q32.1.
Variant type: single nucleotide variant.
Coding change: c.1087C>T on transcript NM_001458.5 (MANE Select); coding-DNA position 1087, C replaced by T.
Protein change: p.Pro363Ser; replaces proline 363 with serine.
Molecular consequence: missense variant.
Genome position (GRCh38, 1-based): chr7:128,838,306, C>T. VCF-style: chr7-128838306-C-T. GRCh37 (hg19) VCF-style: chr7-128478360-C-T.
Other names: c.1087C>T, p.Pro363Ser (NM_001127487.2); short protein forms P363S.
Identifiers: ClinVar variation 2948056 (VCV002948056.3), dbSNP rs2128934398, ClinGen allele CA369223665.
Genomic context (GRCh38, chr7:128,838,306, plus strand): 5'-CCTTTGACCTCTGACCCCTAGGTGACCGTGCTCTTTGCTGGCCAGAACATTGAACGCAGT[C>T]CCTTTGAGGTGAACGTGGGCATGGCCCTGGGAGATGCCAACAAGGTGTCAGCCCGTGGCC-3'
Protein context (NP_001449.3, residues 353-373): LFAGQNIERS[Pro363Ser]FEVNVGMALG

ClinVar aggregate classification (germline): Uncertain significance (1 of 4 stars; one submission).

Conditions:
Hypertrophic cardiomyopathy 26. Also called: Cardiomyopathy, familial hypertrophic, 26. Identifiers: Orphanet 75249, MedGen C4310749, MONDO:0014883, OMIM 617047.
Myofibrillar myopathy 5. Also called: Filaminopathy (type); FILAMINOPATHY, AUTOSOMAL DOMINANT. Identifiers: Orphanet 171445, MedGen C1836050, MONDO:0012289, OMIM 609524.
Distal myopathy with posterior leg and anterior hand involvement. Also called: WILLIAMS DISTAL MYOPATHY. Identifiers: Orphanet 63273, MedGen C3279722, MONDO:0013550, OMIM 614065.

Submission:

Labcorp Genetics (formerly Invitae), Labcorp
Classification: Uncertain significance for Distal myopathy with posterior leg and anterior hand involvement; Myofibrillar myopathy 5; Hypertrophic cardiomyopathy 26. Last evaluated: 2023-07-08. Review status: criteria provided, single submitter. Criteria: Invitae Variant Classification Sherloc (09022015). Collection method: clinical testing. Allele origin: germline.
Comment: In summary, the available evidence is currently insufficient to determine the role of this variant in disease. Therefore, it has been classified as a Variant of Uncertain Significance. Advanced modeling of protein sequence and biophysical properties (such as structural, functional, and spatial information, amino acid conservation, physicochemical variation, residue mobility, and thermodynamic stability) has been performed at Invitae for this missense variant, however the output from this modeling did not meet the statistical confidence thresholds required to predict the impact of this variant on FLNC protein function. This variant has not been reported in the literature in individuals affected with FLNC-related conditions. This variant is not present in population databases (gnomAD no frequency). This sequence change replaces proline, which is neutral and non-polar, with serine, which is neutral and polar, at codon 363 of the FLNC protein (p.Pro363Ser).